The following is an entry in ClinVar:

ClinVar aggregate classification (germline): Uncertain significance (1 of 4 stars; one submission).

Conditions:
Joubert syndrome. Also called: CEREBELLOPARENCHYMAL DISORDER IV; JOUBERT-BOLTSHAUSER SYNDROME; Familial aplasia of the vermis. Identifiers: Orphanet 475, MedGen C5979921, MONDO:0018772.
Nephronophthisis. Also called: Juvenile Nephronophthisis. Identifiers: Orphanet 655, MedGen C0687120, MONDO:0019005, HP:0000090.
Meckel-Gruber syndrome. Also called: DYSENCEPHALIA SPLANCHNOCYSTICA; GRUBER SYNDROME; Dysencephalia splachnocystica. Identifiers: Orphanet 564, MedGen C0265215, MONDO:0018921.

Allele frequency attached by ClinVar (database versions not stated): gnomAD exomes below 0.00001; ExAC 0.00001.
gnomAD v4.1: 1 of 1,613,868 alleles (0.000062%); highest among the groups gnomAD compares: Non-Finnish European, 0.000085%; no homozygotes.

Submission:

Labcorp Genetics (formerly Invitae), Labcorp
Classification: Uncertain significance for Joubert syndrome; Meckel-Gruber syndrome; Nephronophthisis. Last evaluated: 2021-09-15. Review status: criteria provided, single submitter. Criteria: Invitae Variant Classification Sherloc (09022015). Collection method: clinical testing. Allele origin: germline.
Comment: This sequence change replaces glycine with aspartic acid at codon 2245 of the CEP290 protein (p.Gly2245Asp). The glycine residue is weakly conserved and there is a moderate physicochemical difference between glycine and aspartic acid. The frequency data for this variant in the population databases is considered unreliable, as metrics indicate poor data quality at this position in the ExAC database. This variant has not been reported in the literature in individuals affected with CEP290-related conditions. Algorithms developed to predict the effect of missense changes on protein structure and function (SIFT, PolyPhen-2, Align-GVGD) all suggest that this variant is likely to be tolerated. In summary, the available evidence is currently insufficient to determine the role of this variant in disease. Therefore, it has been classified as a Variant of Uncertain Significance.

NM_025114.4(CEP290):c.6734G>A (p.Gly2245Asp)

Gene: CEP290 (centrosomal protein 290; minus strand). Cytogenetic location: 12q21.32.
Variant type: single nucleotide variant.
Coding change: c.6734G>A on transcript NM_025114.4 (MANE Select); coding-DNA position 6734, G replaced by A.
Protein change: p.Gly2245Asp; replaces glycine 2245 with aspartic acid.
Molecular consequence: missense variant.
Genome position (GRCh38, 1-based): chr12:88,058,932, C>T on the plus strand (G>A on the coding strand, the complement: CEP290 is on the minus strand). VCF-style: chr12-88058932-C-T. GRCh37 (hg19) VCF-style: chr12-88452709-C-T.
Other names: short protein forms G2245D.
Identifiers: ClinVar variation 1434902 (VCV001434902.3), dbSNP rs766640788, ClinGen allele CA6711439.